The following is an entry in ClinVar:

ClinVar aggregate classification (germline): Uncertain significance (1 of 4 stars; one submission).

Submission:

GeneDx
Classification: Uncertain significance. Last evaluated: 2019-04-25. Review status: criteria provided, single submitter. Criteria: GeneDx Variant Classification Process June 2021. Collection method: clinical testing. Allele origin: germline. Affected: yes.
Comment: Not observed in large population cohorts (Lek et al., 2016); In silico analysis, which includes protein predictors and evolutionary conservation, supports that this variant does not alter protein structure/function; Has not been previously published as pathogenic or benign to our knowledge

NM_001291867.2(NHS):c.2506G>C (p.Gly836Arg)

Gene: NHS (NHS actin remodeling regulator; plus strand). Cytogenetic location: Xp22.13.
Variant type: single nucleotide variant.
Coding change: c.2506G>C on transcript NM_001291867.2 (MANE Select); coding-DNA position 2506, G replaced by C.
Protein change: p.Gly836Arg; replaces glycine 836 with arginine.
Molecular consequence: missense variant.
Genome position (GRCh38, 1-based): chrX:17,726,612, G>C. VCF-style: chrX-17726612-G-C. GRCh37 (hg19) VCF-style: chrX-17744732-G-C.
Other names: c.1975G>C, p.Gly659Arg (NM_001136024.4); c.1912G>C, p.Gly638Arg (NM_001291868.2); c.2443G>C, p.Gly815Arg (NM_198270.4); short protein forms G638R, G659R, G815R, G836R.
Identifiers: ClinVar variation 1305188 (VCV001305188.2), dbSNP rs2066446114, ClinGen allele CA412358938.